The following is an entry in ClinVar:

ClinVar aggregate classification (germline): Uncertain significance (1 of 4 stars; one submission).

Conditions:
Charcot-Marie-Tooth disease axonal type 2O. Also called: CHARCOT-MARIE-TOOTH NEUROPATHY, AXONAL, TYPE 2O; CHARCOT-MARIE-TOOTH DISEASE, AXONAL, AUTOSOMAL DOMINANT, TYPE 2O; Charcot-Marie-Tooth disease, axonal, type 20; Charcot-Marie-Tooth Neuropathy Type 2O. Identifiers: Orphanet 284232, MedGen C3280220, MONDO:0013644, OMIM 614228.

Submission:

Labcorp Genetics (formerly Invitae), Labcorp
Classification: Uncertain significance for Charcot-Marie-Tooth disease axonal type 2O. Last evaluated: 2019-09-17. Review status: criteria provided, single submitter. Criteria: Invitae Variant Classification Sherloc (09022015). Collection method: clinical testing. Allele origin: germline.
Comment: In summary, the available evidence is currently insufficient to determine the role of this variant in disease. Therefore, it has been classified as a Variant of Uncertain Significance. Algorithms developed to predict the effect of missense changes on protein structure and function are either unavailable or do not agree on the potential impact of this missense change (SIFT: "Deleterious"; PolyPhen-2: "Benign"; Align-GVGD: "Class C0"). This variant has not been reported in the literature in individuals with DYNC1H1-related conditions. This variant is not present in population databases (ExAC no frequency). This sequence change replaces glutamine with histidine at codon 3152 of the DYNC1H1 protein (p.Gln3152His). The glutamine residue is highly conserved and there is a small physicochemical difference between glutamine and histidine.

NM_001376.5(DYNC1H1):c.9456G>C (p.Gln3152His)

Genes: DYNC1H1 (dynein cytoplasmic 1 heavy chain 1; plus strand), LOC126862060 (BRD4-independent group 4 enhancer GRCh37_chr14:102493659-102494858; plus strand). Cytogenetic location: 14q32.31.
Variant type: single nucleotide variant.
Coding change: c.9456G>C on transcript NM_001376.5 (MANE Select); coding-DNA position 9456, G replaced by C.
Protein change: p.Gln3152His; replaces glutamine 3152 with histidine.
Molecular consequence: missense variant.
Genome position (GRCh38, 1-based): chr14:102,028,129, G>C. VCF-style: chr14-102028129-G-C. GRCh37 (hg19) VCF-style: chr14-102494466-G-C.
Other names: short protein forms Q3152H.
Identifiers: ClinVar variation 939954 (VCV000939954.10), dbSNP rs2048470929, ClinGen allele CA391014714.